The following is an entry in ClinVar:

ClinVar aggregate classification (germline): Uncertain significance (1 of 4 stars; one submission).

Submission:

GeneDx
Classification: Uncertain significance. Last evaluated: 2024-08-13. Review status: criteria provided, single submitter. Criteria: GeneDx Variant Classification Process June 2021. Collection method: clinical testing. Allele origin: germline. Affected: yes.
Comment: Not observed at significant frequency in large population cohorts (gnomAD); In silico analysis indicates that this missense variant does not alter protein structure/function; Has not been previously published as pathogenic or benign to our knowledge

NM_018489.3(ASH1L):c.3265C>T (p.Leu1089Phe)

Gene: ASH1L (ASH1 like histone lysine methyltransferase; minus strand). Cytogenetic location: 1q22.
Variant type: single nucleotide variant.
Coding change: c.3265C>T on transcript NM_018489.3 (MANE Select); coding-DNA position 3265, C replaced by T.
Protein change: p.Leu1089Phe; replaces leucine 1089 with phenylalanine.
Molecular consequence: missense variant.
Genome position (GRCh38, 1-based): chr1:155,479,605, G>A on the plus strand (C>T on the coding strand, the complement: ASH1L is on the minus strand). VCF-style: chr1-155479605-G-A. GRCh37 (hg19) VCF-style: chr1-155449396-G-A.
Other names: c.3265C>T, p.Leu1089Phe (NM_001366177.2); short protein forms L1089F.
Identifiers: ClinVar variation 3731188 (VCV003731188.1).